The following is an entry in ClinVar:

ClinVar aggregate classification (germline): Likely benign. Review status: criteria provided, multiple submitters, no conflicts (2 of 4 stars). 3 submissions from 3 submitters: Likely benign (3). Last evaluated 2025-10-14.

Allele frequency attached by ClinVar (database versions not stated): ExAC 0.00003; gnomAD 0.00003; gnomAD exomes 0.00005; ESP Exome Variant Server 0.00008; TOPMed 0.00009.
gnomAD v4.1: 36 of 1,613,702 alleles (0.0022%); highest among the groups gnomAD compares: Admixed American, 0.028%; no homozygotes.

Submissions (3):

Mayo Clinic Laboratories, Mayo Clinic
Classification: Likely benign. Last evaluated: 2025-10-14. Review status: criteria provided, single submitter. Criteria: ACMG Guidelines, 2015. Collection method: clinical testing. Allele origin: germline. Observed: 2 variant alleles.
Comment: BP4, BP7

Labcorp Genetics (formerly Invitae), Labcorp
Classification: Likely benign. Last evaluated: 2025-07-27. Review status: criteria provided, single submitter. Criteria: Invitae Variant Classification Sherloc (09022015). Collection method: clinical testing. Allele origin: germline.

Breakthrough Genomics
Classification: Likely benign. Review status: criteria provided, single submitter. Criteria: ACMG Guidelines, 2015. Collection method: not provided. Allele origin: germline. Inheritance: Autosomal recessive inheritance. Affected: yes.

NM_172351.3(CD46):c.786C>T (p.Leu262=)

Gene: CD46 (CD46 molecule; plus strand). Cytogenetic location: 1q32.2.
Variant type: single nucleotide variant.
Coding change: c.786C>T on transcript NM_172351.3 (MANE Select); coding-DNA position 786, C replaced by T.
Protein change: p.Leu262=; no amino-acid change (leucine 262 retained).
Molecular consequence: synonymous variant.
Genome position (GRCh38, 1-based): chr1:207,767,125, C>T. VCF-style: chr1-207767125-C-T. GRCh37 (hg19) VCF-style: chr1-207940470-C-T.
Other names: p.Leu262=; c.786C>T, p.Leu262= (NM_002389.4, NM_153826.4, NM_172350.3 and 8 more transcripts).
Identifiers: ClinVar variation 1574093 (VCV001574093.9), dbSNP rs374762173, ClinGen allele CA1371726.